The following is an entry in ClinVar:

ClinVar aggregate classification (germline): Uncertain significance (1 of 4 stars; one submission).

Allele frequency attached by ClinVar (database versions not stated): ExAC 0.00001; gnomAD exomes below 0.00001.
gnomAD v4.1: 1 of 1,613,362 alleles (0.000062%); highest among the groups gnomAD compares: Non-Finnish European, 0.000085%; no homozygotes.

Submission:

Labcorp Genetics (formerly Invitae), Labcorp
Classification: Uncertain significance. Last evaluated: 2022-07-25. Review status: criteria provided, single submitter. Criteria: Invitae Variant Classification Sherloc (09022015). Collection method: clinical testing. Allele origin: germline.
Comment: This sequence change replaces alanine, which is neutral and non-polar, with proline, which is neutral and non-polar, at codon 353 of the ERCC3 protein (p.Ala353Pro). This variant is present in population databases (rs780953436, gnomAD 0.0009%). This variant has not been reported in the literature in individuals affected with ERCC3-related conditions. ClinVar contains an entry for this variant (Variation ID: 1351586). Algorithms developed to predict the effect of missense changes on protein structure and function are either unavailable or do not agree on the potential impact of this missense change (SIFT: "Deleterious"; PolyPhen-2: "Probably Damaging"; Align-GVGD: "Class C0"). In summary, the available evidence is currently insufficient to determine the role of this variant in disease. Therefore, it has been classified as a Variant of Uncertain Significance.

NM_000122.2(ERCC3):c.1057G>C (p.Ala353Pro)

Gene: ERCC3 (ERCC excision repair 3, TFIIH core complex helicase subunit; minus strand). Cytogenetic location: 2q14.3.
Variant type: single nucleotide variant.
Coding change: c.1057G>C on transcript NM_000122.2 (MANE Select); coding-DNA position 1057, G replaced by C.
Protein change: p.Ala353Pro; replaces alanine 353 with proline.
Molecular consequence: missense variant.
Genome position (GRCh38, 1-based): chr2:127,286,988, C>G on the plus strand (G>C on the coding strand, the complement: ERCC3 is on the minus strand). VCF-style: chr2-127286988-C-G. GRCh37 (hg19) VCF-style: chr2-128044564-C-G.
Other names: c.865G>C, p.Ala289Pro (NM_001303416.2, NM_001303418.2); short protein forms A289P, A353P.
Identifiers: ClinVar variation 1351586 (VCV001351586.3), dbSNP rs780953436, ClinGen allele CA1858364.